The following is an entry in ClinVar:

NM_020778.5(ALPK3):c.4520T>A (p.Ile1507Asn)

Gene: ALPK3 (alpha kinase 3; plus strand). Cytogenetic location: 15q25.3.
Variant type: single nucleotide variant.
Coding change: c.4520T>A on transcript NM_020778.5 (MANE Select); coding-DNA position 4520, T replaced by A.
Protein change: p.Ile1507Asn; replaces isoleucine 1507 with asparagine.
Molecular consequence: missense variant.
Genome position (GRCh38, 1-based): chr15:84,864,462, T>A. VCF-style: chr15-84864462-T-A. GRCh37 (hg19) VCF-style: chr15-85407693-T-A.
Other names: short protein forms I1507N.
Identifiers: ClinVar variation 2064174 (VCV002064174.3), dbSNP rs766445582, ClinGen allele CA7710016.
Genomic context (GRCh38, chr15:84,864,462, plus strand): 5'-GCCATACTTCCTGCTTACTGCAGGGTGAAACTATGTTTAGGATCATCCCACTGTATCTGA[T>A]CTACCGGCCTGCAAACAATATCCCATATGCTACCCTGGAGGAAGACCTGGGCAAGCCCCT-3'
Protein context (NP_065829.4, residues 1497-1517): EVPEIIPLYL[Ile1507Asn]YRPANNIPYA

ClinVar aggregate classification (germline): Uncertain significance (1 of 4 stars; one submission).

Allele frequency attached by ClinVar (database versions not stated): gnomAD exomes below 0.00001; ExAC 0.00002.
gnomAD v4.1: 2 of 1,614,156 alleles (0.00012%); highest among the groups gnomAD compares: Admixed American, 0.0033%; no homozygotes.

Submission:

Labcorp Genetics (formerly Invitae), Labcorp
Classification: Uncertain significance. Last evaluated: 2022-01-17. Review status: criteria provided, single submitter. Criteria: Invitae Variant Classification Sherloc (09022015). Collection method: clinical testing. Allele origin: germline.
Comment: This sequence change replaces isoleucine, which is neutral and non-polar, with asparagine, which is neutral and polar, at codon 1709 of the ALPK3 protein (p.Ile1709Asn). This variant is present in population databases (rs766445582, gnomAD 0.006%). This variant has not been reported in the literature in individuals affected with ALPK3-related conditions. Algorithms developed to predict the effect of missense changes on protein structure and function (SIFT, PolyPhen-2, Align-GVGD) all suggest that this variant is likely to be disruptive. In summary, the available evidence is currently insufficient to determine the role of this variant in disease. Therefore, it has been classified as a Variant of Uncertain Significance.